The following is an entry in ClinVar:

ClinVar aggregate classification (germline): Uncertain significance (1 of 4 stars; one submission).

Conditions:
Tuberous sclerosis 2 (TSC2). Identifiers: Orphanet 805, MedGen C1860707, MONDO:0013199, OMIM 613254.

gnomAD v4.1: 1 of 1,611,108 alleles (0.000062%); highest among the groups gnomAD compares: East Asian, 0.0022%; no homozygotes.

Submission:

Labcorp Genetics (formerly Invitae), Labcorp
Classification: Uncertain significance for Tuberous sclerosis 2. Last evaluated: 2024-09-28. Review status: criteria provided, single submitter. Criteria: Invitae Variant Classification Sherloc (09022015). Collection method: clinical testing. Allele origin: germline.
Comment: This sequence change replaces glycine, which is neutral and non-polar, with arginine, which is basic and polar, at codon 1399 of the TSC2 protein (p.Gly1399Arg). This variant is present in population databases (no rsID available, gnomAD 0.006%). This variant has not been reported in the literature in individuals affected with TSC2-related conditions. Invitae Evidence Modeling of protein sequence and biophysical properties (such as structural, functional, and spatial information, amino acid conservation, physicochemical variation, residue mobility, and thermodynamic stability) indicates that this missense variant is not expected to disrupt TSC2 protein function with a negative predictive value of 95%. In summary, the available evidence is currently insufficient to determine the role of this variant in disease. Therefore, it has been classified as a Variant of Uncertain Significance.

NM_000548.5(TSC2):c.4195G>C (p.Gly1399Arg)

Gene: TSC2 (TSC complex subunit 2; plus strand). Cytogenetic location: 16p13.3.
Variant type: single nucleotide variant.
Coding change: c.4195G>C on transcript NM_000548.5 (MANE Select); coding-DNA position 4195, G replaced by C.
Protein change: p.Gly1399Arg; replaces glycine 1399 with arginine.
Molecular consequence: missense variant. On other transcripts: non-coding transcript variant (5).
Genome position (GRCh38, 1-based): chr16:2,084,417, G>C. VCF-style: chr16-2084417-G-C. GRCh37 (hg19) VCF-style: chr16-2134418-G-C.
Other names: c.3994G>C, p.Gly1332Arg (NM_001077183.3); c.4126G>C, p.Gly1376Arg (NM_001114382.3); c.3886G>C, p.Gly1296Arg (NM_001318827.2); c.3850G>C, p.Gly1284Arg (NM_001318829.2); c.3463G>C, p.Gly1155Arg (NM_001318831.2); c.4027G>C, p.Gly1343Arg (NM_001318832.2); c.3997G>C, p.Gly1333Arg (NM_001363528.2); c.4063G>C, p.Gly1355Arg (NM_001370404.1); and 26 more; short protein forms G1132R, G1283R, G1295R, G1296R, G1332R, G1375R, G884R, G907R.
Identifiers: ClinVar variation 3672275 (VCV003672275.2).